The following is an entry in ClinVar:

NM_013266.4(CTNNA3):c.1115A>G (p.Asp372Gly)

Gene: CTNNA3 (catenin alpha 3; minus strand). Cytogenetic location: 10q21.3.
Variant type: single nucleotide variant.
Coding change: c.1115A>G on transcript NM_013266.4 (MANE Select); coding-DNA position 1115, A replaced by G.
Protein change: p.Asp372Gly; replaces aspartic acid 372 with glycine.
Molecular consequence: missense variant.
Genome position (GRCh38, 1-based): chr10:66,775,457, T>C on the plus strand (A>G on the coding strand, the complement: CTNNA3 is on the minus strand). VCF-style: chr10-66775457-T-C. GRCh37 (hg19) VCF-style: chr10-68535215-T-C.
Other names: c.1115A>G, p.Asp372Gly (NM_001127384.3); short protein forms D372G.
Identifiers: ClinVar variation 2236707 (VCV002236707.3), dbSNP rs2547557538, ClinGen allele CA377092133.

ClinVar aggregate classification (germline): Uncertain significance (1 of 4 stars; one submission).

Allele frequency attached by ClinVar (database versions not stated): gnomAD exomes below 0.00001.
gnomAD v4.1: 1 of 1,610,240 alleles (0.000062%); highest among the groups gnomAD compares: Non-Finnish European, 0.000085%; no homozygotes.

Submission:

Ambry Genetics
Classification: Uncertain significance. Last evaluated: 2025-11-25. Review status: criteria provided, single submitter. Criteria: Ambry Variant Classification Scheme 2023. Collection method: clinical testing. Allele origin: germline.
Comment: The p.D372G variant (also known as c.1115A>G), located in coding exon 7 of the CTNNA3 gene, results from an A to G substitution at nucleotide position 1115. The aspartic acid at codon 372 is replaced by glycine, an amino acid with similar properties. This amino acid position is conserved. In addition, this alteration is predicted to be deleterious by in silico analysis. Based on the available evidence, the clinical significance of this variant remains unclear.